The following is an entry in ClinVar:

NM_152703.5(SAMD9L):c.2178A>G (p.Ala726=)

Gene: SAMD9L (sterile alpha motif domain containing 9 like; minus strand). Cytogenetic location: 7q21.2.
Variant type: single nucleotide variant.
Coding change: c.2178A>G on transcript NM_152703.5 (MANE Select); coding-DNA position 2178, A replaced by G.
Protein change: p.Ala726=; no amino-acid change (alanine 726 retained).
Molecular consequence: synonymous variant.
Genome position (GRCh38, 1-based): chr7:93,133,794, T>C on the plus strand (A>G on the coding strand, the complement: SAMD9L is on the minus strand). VCF-style: chr7-93133794-T-C. GRCh37 (hg19) VCF-style: chr7-92763107-T-C.
Other names: c.2178A>G, p.Ala726= (NM_001303496.3, NM_001303497.3, NM_001303498.3 and 5 more transcripts); c.2178A>G (NM_152703.2).
Identifiers: ClinVar variation 1337620 (VCV001337620.5), dbSNP rs1269419908, ClinGen allele CA456628868.

ClinVar aggregate classification (germline): Conflicting classifications of pathogenicity. Review status: criteria provided, conflicting classifications (1 of 4 stars). 2 submissions from 2 submitters: Uncertain significance (1); Likely benign (1). Last evaluated 2025-03-02.

Conditions:
Inborn genetic diseases. Identifiers: MedGen C0950123, MeSH D030342.

Allele frequency attached by ClinVar (database versions not stated): gnomAD exomes below 0.00001; TOPMed below 0.00001.
gnomAD v4.1: 4 of 1,613,842 alleles (0.00025%); highest among the groups gnomAD compares: Non-Finnish European, 0.00034%; no homozygotes.

Submissions (2):

Ambry Genetics
Classification: Likely benign for Inborn genetic diseases. Last evaluated: 2025-03-02. Review status: criteria provided, single submitter. Criteria: Ambry Variant Classification Scheme 2023. Collection method: clinical testing. Allele origin: germline.

Genetic Services Laboratory, University of Chicago
Classification: Uncertain significance. Last evaluated: 2020-04-20. Review status: criteria provided, single submitter. Criteria: ACMG Guidelines, 2015. Collection method: clinical testing. Allele origin: germline. Affected: no.
Comment: DNA sequence analysis of the SAMD9L gene demonstrated a sequence change, c.2178A>G, in exon 6 which does not result in an amino acid change. This sequence change does not appear to have been previously described in patients with SAMD9L-related disorders and has been described in the gnomAD database in one individual which corresponds to a population frequency of 0.00040% (dbSNP rs1269419908). This sequence change is not predicted to have a deleterious effect on splicing based on in silico splice prediction programs. As the c.2178A>G sequence change does not result in a change in the SAMD9L amino acid sequence, it is possible that this change is non-pathogenic and represents a benign sequence variant of the SAMD9L gene, however functional studies have not been performed to prove this conclusively. The functional significance of this sequence change is not known at present and its contribution to this patient's disease phenotype cannot definitively be determined.